The following is an entry in ClinVar:

NM_139215.3(TAF15):c.1535G>A (p.Arg512Gln)

Gene: TAF15 (TATA-box binding protein associated factor 15; plus strand). Cytogenetic location: 17q12.
Variant type: single nucleotide variant.
Coding change: c.1535G>A on transcript NM_139215.3 (MANE Select); coding-DNA position 1535, G replaced by A.
Protein change: p.Arg512Gln; replaces arginine 512 with glutamine.
Molecular consequence: missense variant.
Genome position (GRCh38, 1-based): chr17:35,844,834, G>A. VCF-style: chr17-35844834-G-A. GRCh37 (hg19) VCF-style: chr17-34171838-G-A.
Other names: c.1526G>A, p.Arg509Gln (NM_003487.4); short protein forms R509Q, R512Q.
Identifiers: ClinVar variation 2635990 (VCV002635990.1), dbSNP rs370345089, ClinGen allele CA290041598.

ClinVar aggregate classification (germline): Uncertain significance (1 of 4 stars; one submission).

Conditions:
TAF15-related disorder. Also called: TAF15-related condition.

Allele frequency attached by ClinVar (database versions not stated): gnomAD 0.00003; TOPMed 0.00006; gnomAD exomes 0.00007; ESP Exome Variant Server 0.00008; ExAC 0.00009.
gnomAD v4.1: 142 of 1,601,752 alleles (0.0089%); highest among the groups gnomAD compares: South Asian, 0.056%; 2 homozygotes.

Submission:

PreventionGenetics, part of Exact Sciences
Classification: Uncertain significance for TAF15-related condition. Last evaluated: 2023-06-16. Review status: criteria provided, single submitter. Criteria: ACMG Guidelines, 2015. Collection method: clinical testing. Allele origin: germline.
Comment: The TAF15 c.1535G>A variant is predicted to result in the amino acid substitution p.Arg512Gln. This variant was reported in an individual with amyotrophic lateral sclerosis and was classified as uncertain (Liu et al 2019. PubMed ID: 31788332). This variant is reported in 0.059% of alleles in individuals of South Asian descent in gnomAD, including one homozygote. While we suspect this variant may be benign, at this time, the clinical significance of this variant is uncertain due to the absence of conclusive functional and genetic evidence.